The following is an entry in ClinVar:

ClinVar aggregate classification (germline): Uncertain significance. Review status: criteria provided, multiple submitters, no conflicts (2 of 4 stars). 2 submissions from 2 submitters: Uncertain significance (2). Last evaluated 2024-10-23.

Conditions:
Loeys-Dietz syndrome 2 (LDS2). Also called: Marfan syndrome, type 2 (formerly); TGFBR2-Related Loeys-Dietz Syndrome; Marfan Syndrome type 2; Marfan like connective tissue disorder; MFS 2; AORTIC ANEURYSM, FAMILIAL THORACIC 3. Identifiers: Orphanet 284973, Orphanet 558, MedGen C2674574, MONDO:0012427, OMIM 610168.

Allele frequency attached by ClinVar (database versions not stated): ExAC 0.00001; gnomAD 0.00005; TOPMed 0.00009.
gnomAD v4.1: 28 of 1,614,014 alleles (0.0017%); highest among the groups gnomAD compares: Admixed American, 0.025%; no homozygotes.

Submissions (2):

Labcorp Genetics (formerly Invitae), Labcorp
Classification: Uncertain significance for Loeys-Dietz syndrome 2. Last evaluated: 2024-10-23. Review status: criteria provided, single submitter. Criteria: Invitae Variant Classification Sherloc (09022015). Collection method: clinical testing. Allele origin: germline.
Comment: This sequence change replaces arginine, which is basic and polar, with cysteine, which is neutral and slightly polar, at codon 230 of the TMPO protein (p.Arg230Cys). This variant is present in population databases (rs750751621, gnomAD 0.009%). This variant has not been reported in the literature in individuals affected with TMPO-related conditions. ClinVar contains an entry for this variant (Variation ID: 568823). Invitae Evidence Modeling of protein sequence and biophysical properties (such as structural, functional, and spatial information, amino acid conservation, physicochemical variation, residue mobility, and thermodynamic stability) indicates that this missense variant is not expected to disrupt TMPO protein function with a negative predictive value of 80%. In summary, the available evidence is currently insufficient to determine the role of this variant in disease. Therefore, it has been classified as a Variant of Uncertain Significance.

Ambry Genetics
Classification: Uncertain significance. Last evaluated: 2023-10-05. Review status: criteria provided, single submitter. Criteria: Ambry Variant Classification Scheme 2023. Collection method: clinical testing. Allele origin: germline.

NM_001032283.3(TMPO):c.565+1107C>T

Gene: TMPO (thymopoietin; plus strand). Cytogenetic location: 12q23.1.
Variant type: single nucleotide variant.
Coding change: c.565+1107C>T on transcript NM_001032283.3 (MANE Select); 1107 bases into the intron after coding-DNA position 565, C replaced by T.
Molecular consequence: intron variant. On other transcripts: missense variant (1).
Genome position (GRCh38, 1-based): chr12:98,532,945, C>T. VCF-style: chr12-98532945-C-T. GRCh37 (hg19) VCF-style: chr12-98926723-C-T.
Other names: c.688C>T, p.Arg230Cys (NM_003276.2); c.565+1107C>T (NM_001307975.2, NM_001032284.3); short protein forms R230C.
Identifiers: ClinVar variation 568823 (VCV000568823.11), dbSNP rs750751621, ClinGen allele CA6732269.